The following is an entry in ClinVar:

ClinVar aggregate classification (germline): Uncertain significance (1 of 4 stars; one submission).

Conditions:
MHC class II deficiency. Also called: Bare lymphocyte syndrome 2; BLS, TYPE II. Identifiers: Orphanet 572, MedGen C5447452, MONDO:0008855.

Submission:

Labcorp Genetics (formerly Invitae), Labcorp
Classification: Uncertain significance for MHC class II deficiency. Last evaluated: 2021-01-14. Review status: criteria provided, single submitter. Criteria: Invitae Variant Classification Sherloc (09022015). Collection method: clinical testing. Allele origin: germline.
Comment: This sequence change replaces leucine with valine at codon 207 of the RFX5 protein (p.Leu207Val). The leucine residue is highly conserved and there is a small physicochemical difference between leucine and valine. This variant is not present in population databases (ExAC no frequency). This variant has not been reported in the literature in individuals with RFX5-related conditions. Algorithms developed to predict the effect of missense changes on protein structure and function are either unavailable or do not agree on the potential impact of this missense change (SIFT: "Tolerated"; PolyPhen-2: "Probably Damaging"; Align-GVGD: "Class C0"). In summary, the available evidence is currently insufficient to determine the role of this variant in disease. Therefore, it has been classified as a Variant of Uncertain Significance.

NM_001025603.2(RFX5):c.619C>G (p.Leu207Val)

Gene: RFX5 (regulatory factor X5; minus strand). Cytogenetic location: 1q21.3.
Variant type: single nucleotide variant.
Coding change: c.619C>G on transcript NM_001025603.2 (MANE Select); coding-DNA position 619, C replaced by G.
Protein change: p.Leu207Val; replaces leucine 207 with valine.
Molecular consequence: missense variant.
Genome position (GRCh38, 1-based): chr1:151,343,819, G>C on the plus strand (C>G on the coding strand, the complement: RFX5 is on the minus strand). VCF-style: chr1-151343819-G-C. GRCh37 (hg19) VCF-style: chr1-151316295-G-C.
Other names: c.619C>G, p.Leu207Val (NM_000449.4, NM_001379412.1, NM_001379413.1 and 5 more transcripts); c.499C>G, p.Leu167Val (NM_001379419.1, NM_001379420.1); short protein forms L207V, L167V.
Identifiers: ClinVar variation 1364717 (VCV001364717.8), dbSNP rs2102064014, ClinGen allele CA341938395.